The following is an entry in ClinVar:

ClinVar aggregate classification (germline): Likely pathogenic (1 of 4 stars; one submission).

Conditions:
Ciliary dyskinesia, primary, 50 (CILD50). Identifiers: MedGen C5830473, MONDO:0957252, OMIM 620356.

gnomAD v4.1: 864 of 1,611,800 alleles (0.054%); highest among the groups gnomAD compares: Middle Eastern, 0.099%; no homozygotes.

Submission:

First Genomix Gene Laboratory, Genetic Diagnostics Department
Classification: Likely pathogenic for Ciliary dyskinesia, primary, 50. Last evaluated: 2025-01-11. Review status: criteria provided, single submitter. Criteria: ACMG Guidelines, 2015. Collection method: clinical testing. Allele origin: germline. Inheritance: Autosomal recessive inheritance. Affected: no. Observed: 1 variant allele.

NM_018897.3(DNAH7):c.4309C>T (p.Arg1437Ter)

Gene: DNAH7 (dynein axonemal heavy chain 7; minus strand). Cytogenetic location: 2q32.3.
Variant type: single nucleotide variant.
Coding change: c.4309C>T on transcript NM_018897.3 (MANE Select); coding-DNA position 4309, C replaced by T.
Protein change: p.Arg1437Ter; replaces arginine 1437 with a stop codon.
Molecular consequence: nonsense.
Genome position (GRCh38, 1-based): chr2:195,906,685, G>A on the plus strand (C>T on the coding strand, the complement: DNAH7 is on the minus strand). VCF-style: chr2-195906685-G-A. GRCh37 (hg19) VCF-style: chr2-196771409-G-A.
Other names: short protein forms R1437*.
Identifiers: ClinVar variation 4845666 (VCV004845666.1).
Genomic context (GRCh38, chr2:195,906,685, plus strand): 5'-GAAGAAATAGATTATATAATAACTCCTTCCATACCTTCAGGTTATCTGGCAGTTCTGATC[G>A]CCCAGCATACCCAGGGTTCATTGTTATAAAGACAGCACATGTGGGGTCAAGTTTTAGTTC-3'